The following is an entry in ClinVar:

ClinVar aggregate classification (germline): Uncertain significance. Review status: criteria provided, multiple submitters, no conflicts (2 of 4 stars). 3 submissions from 3 submitters: Uncertain significance (3). Last evaluated 2025-08-09.

Conditions:
Inborn genetic diseases. Identifiers: MedGen C0950123, MeSH D030342.

Allele frequency attached by ClinVar (database versions not stated): TOPMed 0.00001; gnomAD exomes 0.00005.
gnomAD v4.1: 30 of 1,558,538 alleles (0.0019%); highest among the groups gnomAD compares: Admixed American, 0.019%; no homozygotes.

Submissions (3):

Ambry Genetics
Classification: Uncertain significance for Inborn genetic diseases. Last evaluated: 2025-08-09. Review status: criteria provided, single submitter. Criteria: Ambry Variant Classification Scheme 2023. Collection method: clinical testing. Allele origin: germline.

Labcorp Genetics (formerly Invitae), Labcorp
Classification: Uncertain significance. Last evaluated: 2025-04-23. Review status: criteria provided, single submitter. Criteria: Invitae Variant Classification Sherloc (09022015). Collection method: clinical testing. Allele origin: germline.
Comment: This sequence change replaces alanine, which is neutral and non-polar, with threonine, which is neutral and polar, at codon 852 of the CACNA2D4 protein (p.Ala852Thr). The frequency data for this variant in the population databases is considered unreliable, as metrics indicate poor data quality at this position in the gnomAD database. This variant has not been reported in the literature in individuals affected with CACNA2D4-related conditions. ClinVar contains an entry for this variant (Variation ID: 970327). An algorithm developed to predict the effect of missense changes on protein structure and function (PolyPhen-2) suggests that this variant is likely to be tolerated. In summary, the available evidence is currently insufficient to determine the role of this variant in disease. Therefore, it has been classified as a Variant of Uncertain Significance.

Blueprint Genetics
Classification: Uncertain significance. Last evaluated: 2019-11-27. Review status: criteria provided, single submitter. Criteria: ACMG Guidelines, 2015. Collection method: clinical testing. Allele origin: germline.

NM_172364.5(CACNA2D4):c.2554G>A (p.Ala852Thr)

Gene: CACNA2D4 (calcium voltage-gated channel auxiliary subunit alpha2delta 4; minus strand). Cytogenetic location: 12p13.33.
Variant type: single nucleotide variant.
Coding change: c.2554G>A on transcript NM_172364.5 (MANE Select); coding-DNA position 2554, G replaced by A.
Protein change: p.Ala852Thr; replaces alanine 852 with threonine.
Molecular consequence: missense variant.
Genome position (GRCh38, 1-based): chr12:1,811,721, C>T on the plus strand (G>A on the coding strand, the complement: CACNA2D4 is on the minus strand). VCF-style: chr12-1811721-C-T. GRCh37 (hg19) VCF-style: chr12-1920887-C-T.
Other names: short protein forms A852T.
Identifiers: ClinVar variation 970327 (VCV000970327.11), dbSNP rs961730912, ClinGen allele CA231530975.